The following is an entry in ClinVar:

ClinVar aggregate classification (germline): Conflicting classifications of pathogenicity. Review status: criteria provided, conflicting classifications (1 of 4 stars). 3 submissions from 3 submitters: Uncertain significance (2); Likely benign (1). Last evaluated 2024-03-12.

Conditions:
Hereditary breast ovarian cancer syndrome. Also called: Hereditary breast and ovarian cancer; Hereditary breast and/or ovarian cancer syndrome; Hereditary breast and ovarian cancer syndrome; Hereditary breast and ovarian cancer syndrome (HBOC); Breast and ovarian cancer; BRCA1- and BRCA2-Associated Hereditary Breast and Ovarian Cancer. Identifiers: Orphanet 145, MedGen C0677776, MeSH D061325, MONDO:0003582. Disease mechanism: loss of function.
Hereditary cancer-predisposing syndrome. Also called: Hereditary neoplastic syndrome; Tumor predisposition; Neoplastic Syndromes, Hereditary; Hereditary Cancer Syndrome. Identifiers: Orphanet 140162, MedGen C0027672, MeSH D009386, MONDO:0015356.

Submissions (3):

Ambry Genetics
Classification: Uncertain significance for Hereditary cancer-predisposing syndrome. Last evaluated: 2024-03-12. Review status: criteria provided, single submitter. Criteria: Ambry Variant Classification Scheme 2023. Collection method: clinical testing. Allele origin: germline.
Comment: The p.S398A variant (also known as c.1192T>G), located in coding exon 9 of the BRCA1 gene, results from a T to G substitution at nucleotide position 1192. The serine at codon 398 is replaced by alanine, an amino acid with similar properties. This amino acid position is not well conserved in available vertebrate species. In addition, the in silico prediction for this alteration is inconclusive. Based on the available evidence, the clinical significance of this alteration remains unclear.

University of Washington Department of Laboratory Medicine, University of Washington
Classification: Likely benign for Hereditary cancer-predisposing syndrome. Last evaluated: 2023-03-23. Review status: criteria provided, single submitter. Criteria: Dines et al. (Genet Med. 2020). Collection method: curation. Allele origin: germline.
Comment: Missense variant in a coldspot region where missense variants are very unlikely to be pathogenic (PMID:31911673).

BRCA1 coldspot (exon 11 using historical exon numbering). Reclassification based on statistical prior probability

Labcorp Genetics (formerly Invitae), Labcorp
Classification: Uncertain significance for Hereditary breast ovarian cancer syndrome. Last evaluated: 2019-10-28. Review status: criteria provided, single submitter. Criteria: Invitae Variant Classification Sherloc (09022015). Collection method: clinical testing. Allele origin: germline.
Comment: Algorithms developed to predict the effect of missense changes on protein structure and function output the following: SIFT: "Tolerated"; PolyPhen-2: "Benign"; Align-GVGD: "Class C0". The alanine amino acid residue is found in multiple mammalian species, suggesting that this missense change does not adversely affect protein function. These predictions have not been confirmed by published functional studies and their clinical significance is uncertain. In summary, the available evidence is currently insufficient to determine the role of this variant in disease. Therefore, it has been classified as a Variant of Uncertain Significance. This variant has not been reported in the literature in individuals with BRCA1-related conditions. This variant is not present in population databases (ExAC no frequency). This sequence change replaces serine with alanine at codon 398 of the BRCA1 protein (p.Ser398Ala). The serine residue is moderately conserved and there is a moderate physicochemical difference between serine and alanine.

NM_007294.4(BRCA1):c.1192T>G (p.Ser398Ala)

Gene: BRCA1 (BRCA1 DNA repair associated; minus strand). Cytogenetic location: 17q21.31.
Variant type: single nucleotide variant.
Coding change: c.1192T>G on transcript NM_007294.4 (MANE Select); coding-DNA position 1192, T replaced by G.
Protein change: p.Ser398Ala; replaces serine 398 with alanine.
Molecular consequence: missense variant. On other transcripts: intron variant (137).
Genome position (GRCh38, 1-based): chr17:43,094,339, A>C on the plus strand (T>G on the coding strand, the complement: BRCA1 is on the minus strand). VCF-style: chr17-43094339-A-C. GRCh37 (hg19) VCF-style: chr17-41246356-A-C.
Other names: c.979T>G, p.Ser327Ala (NM_001407571.1, NM_001407853.1, NM_001407894.1 and 9 more transcripts); c.1192T>G, p.Ser398Ala (NM_001407581.1, NM_001407582.1, NM_001407583.1 and 30 more transcripts); c.1189T>G, p.Ser397Ala (NM_001407587.1, NM_001407590.1, NM_001407591.1 and 22 more transcripts); c.1183T>G, p.Ser395Ala (NM_001407646.1, NM_001407647.1); c.1069T>G, p.Ser357Ala (NM_001407648.1, NM_001407664.1, NM_001407665.1 and 19 more transcripts); c.1066T>G, p.Ser356Ala (NM_001407649.1, NM_001407670.1, NM_001407671.1 and 11 more transcripts); c.1114T>G, p.Ser372Ala (NM_001407653.1, NM_001407654.1, NM_001407655.1 and 4 more transcripts); c.1111T>G, p.Ser371Ala (NM_001407659.1, NM_001407660.1, NM_001407661.1 and 1 more transcripts); and 40 more; short protein forms S398A, S351A, S102A, S310A, S356A, S371A, S372A, S230A.
Identifiers: ClinVar variation 954592 (VCV000954592.14), dbSNP rs2053980032, ClinGen allele CA10599664.